The following is an entry in ClinVar:

ClinVar aggregate classification (germline): Likely pathogenic (1 of 4 stars; one submission).

Conditions:
Lamb-Shaffer syndrome. Identifiers: Orphanet 313884, Orphanet 313892, Orphanet 530983, MedGen C4225202, MONDO:0014778, OMIM 616803.

Submission:

Centre for Mendelian Genomics, University Medical Centre Ljubljana
Classification: Likely pathogenic for Lamb-Shaffer syndrome. Last evaluated: 2026-07-22. Review status: criteria provided, single submitter. Criteria: ACMG Guidelines, 2015. Collection method: clinical testing. Allele origin: germline. Affected: yes. Observed: 1 variant allele.
Comment: The variant is anticipated to result in loss of function in SOX5, where loss of function is an established mechanism of pathogenicity [PVS1]. The variant has not previously been reported as pathogenic; however, other pathogenic loss-of-function variants in the same exon have been reported in the literature. The variant is absent from control populations in gnomAD [PM2]. Based on the evidence presented above, we classify the identified variant as likely pathogenic.

NM_006940.6(SOX5):c.751C>T (p.Gln251Ter)

Gene: SOX5 (SRY-box transcription factor 5; minus strand). Cytogenetic location: 12p12.1.
Variant type: single nucleotide variant.
Coding change: c.751C>T on transcript NM_006940.6 (MANE Select); coding-DNA position 751, C replaced by T.
Protein change: p.Gln251Ter; replaces glutamine 251 with a stop codon.
Molecular consequence: nonsense.
Genome position (GRCh38, 1-based): chr12:23,734,743, G>A on the plus strand (C>T on the coding strand, the complement: SOX5 is on the minus strand). VCF-style: chr12-23734743-G-A. GRCh37 (hg19) VCF-style: chr12-23887677-G-A.
Other names: p.Gln251Ter; c.712C>T, p.Gln238Ter (NM_001261414.3, NM_152989.5); c.721C>T, p.Gln241Ter (NM_001261415.3); c.646C>T, p.Gln216Ter (NM_001330785.2); short protein forms Q216*, Q238*, Q241*, Q251*.
Identifiers: ClinVar variation 4871907 (VCV004871907.1).
Genomic context (GRCh38, chr12:23,734,743, plus strand): 5'-CCTGGATCTGTTGCTGGAGCAAATTGATTTTGTGTTGTTGCTGTAGAAGCTGCTGCTGCT[G>A]TCTTGCAATCTGTGAAGAAATTGCACATGAGAAATTTACAAGTATATTGTAGTCCCGGAG-3'